The following is an entry in ClinVar:

NM_004273.5(CHST3):c.1367C>A (p.Ala456Glu)

Gene: CHST3 (carbohydrate sulfotransferase 3; plus strand). Cytogenetic location: 10q22.1.
Variant type: single nucleotide variant.
Coding change: c.1367C>A on transcript NM_004273.5 (MANE Select); coding-DNA position 1367, C replaced by A.
Protein change: p.Ala456Glu; replaces alanine 456 with glutamic acid.
Molecular consequence: missense variant.
Genome position (GRCh38, 1-based): chr10:72,008,398, C>A. VCF-style: chr10-72008398-C-A. GRCh37 (hg19) VCF-style: chr10-73768156-C-A.
Other names: short protein forms A456E.
Identifiers: ClinVar variation 2136895 (VCV002136895.4), dbSNP rs1412814128, ClinGen allele CA377153081.

ClinVar aggregate classification (germline): Uncertain significance (1 of 4 stars; one submission).

Conditions:
Spondyloepiphyseal dysplasia with congenital joint dislocations (SEDCJD). Also called: Chondrodysplasia with Congenital Joint Dislocations, CHST3-Related. Identifiers: Orphanet 263463, MedGen C1837657, MONDO:0007738, OMIM 143095.

gnomAD v4.1: 4 of 1,569,922 alleles (0.00025%); highest among the groups gnomAD compares: East Asian, 0.0047%; no homozygotes.

Submission:

Labcorp Genetics (formerly Invitae), Labcorp
Classification: Uncertain significance for Spondyloepiphyseal dysplasia with congenital joint dislocations. Last evaluated: 2022-02-21. Review status: criteria provided, single submitter. Criteria: Invitae Variant Classification Sherloc (09022015). Collection method: clinical testing. Allele origin: germline.
Comment: In summary, the available evidence is currently insufficient to determine the role of this variant in disease. Therefore, it has been classified as a Variant of Uncertain Significance. Algorithms developed to predict the effect of missense changes on protein structure and function are either unavailable or do not agree on the potential impact of this missense change (SIFT: "Deleterious"; PolyPhen-2: "Possibly Damaging"; Align-GVGD: "Class C0"). This missense change has been observed in individual(s) with skeletal dysplasia (PMID: 26402641). The frequency data for this variant in the population databases is considered unreliable, as metrics indicate poor data quality at this position in the gnomAD database. This sequence change replaces alanine, which is neutral and non-polar, with glutamic acid, which is acidic and polar, at codon 456 of the CHST3 protein (p.Ala456Glu).

Literature cited by the submitters: PubMed 26402641.